The following is an entry in ClinVar:

ClinVar aggregate classification (germline): Uncertain significance (1 of 4 stars; one submission).

Conditions:
Recessive dystrophic epidermolysis bullosa (RDEB). Also called: Epidermolysis Bullosa Distrophica Autosomal Recessive (RDEB); EPIDERMOLYSIS BULLOSA DYSTROPHICA, GENERALIZED SEVERE, AUTOSOMAL RECESSIVE; severe generalized recessive dystrophic epidermolysis bullosa; epidermolysis bullosa dystrophica, autosomal recessive; Recessive DEB (RDEB); DYSTROPHIC EPIDERMOLYSIS BULLOSA, AUTOSOMAL RECESSIVE. Identifiers: Orphanet 79408, Orphanet 79409, MedGen C0079474, MONDO:0009179, OMIM 226600.

Submission:

Foundation for Research in Genetics and Endocrinology, FRIGE's Institute of Human Genetics
Classification: Uncertain significance for Recessive dystrophic epidermolysis bullosa. Last evaluated: 2023-02-28. Review status: criteria provided, single submitter. Criteria: ACMG Guidelines, 2015. Collection method: clinical testing. Allele origin: germline. Inheritance: Autosomal recessive inheritance. Affected: yes. Observed: 1 homozygote.
Comment: A homozygous missense variation in exon 39 of the COL7A1 gene that results in the amino acid substitution of Threonine for Proline at codon 1413 (p.Pro1413_Gly1414delinsThrAsp) was detected. This variant has not been reported in the 1000 genomes, gnomAD databases. The in silico prediction of the variant is damaging by LRT. The reference codon is conserved across mammals. In summary, the variant meets our criteria to be classified as a variant of uncertain significance.

NM_000094.4(COL7A1):c.4237_4241delinsACAGA (p.Pro1413_Gly1414delinsThrAsp)

Gene: COL7A1 (collagen type VII alpha 1 chain; minus strand). Cytogenetic location: 3p21.31.
Variant type: Indel.
Coding change: c.4237_4241delinsACAGA on transcript NM_000094.4 (MANE Select); coding-DNA positions 4237 to 4241, CCAGG replaced by ACAGA.
Protein change: p.Pro1413_Gly1414delinsThrAsp.
Molecular consequence: missense variant.
Genome position (GRCh38, 1-based): chr3:48,583,937-48,583,941, CCTGG replaced by TCTGT on the plus strand (CCAGG replaced by ACAGA on the coding strand, the reverse complement: COL7A1 is on the minus strand). VCF-style: chr3-48583937-CCTGG-TCTGT. GRCh37 (hg19) VCF-style: chr3-48621370-CCTGG-TCTGT.
Other names: p.Pro1413_Gly1414delinsThrAsp.
Identifiers: ClinVar variation 2442788 (VCV002442788.2), dbSNP rs2531155675, ClinGen allele CA2580070074.
Genomic context (GRCh38, chr3:48,583,937, plus strand): 5'-AGCAGAGCCTCAAGGCCCCTCACCGGCAGCCCAGGCTCCCCAGGAGCAATGCCACCTTCA[CCTGG>TCTGT]TCCAGGGGGACCCTGGGAGAGAACAGCAGGTCAGGGAATGAACAGGGGAATCAGACTCCA-3'